The following is an entry in ClinVar:

NC_000015.9:g.(62211649_62212265)_(62352665_?)dup

Gene: VPS13C (vacuolar protein sorting 13 homolog C; minus strand). Cytogenetic location: 15q22.2.
Variant type: Duplication.
Identifiers: ClinVar variation 1878294 (VCV001878294.1).

ClinVar aggregate classification (germline): Uncertain significance (1 of 4 stars; one submission).

Submission:

Women's Health and Genetics/Laboratory Corporation of America, LabCorp
Classification: Uncertain significance. Last evaluated: 2022-12-13. Review status: criteria provided, single submitter. Criteria: LabCorp Variant Classification Summary - May 2015. Collection method: clinical testing. Allele origin: germline.
Comment: Variant summary: The variant identified by MLPA or other technology involves the duplication of exons 1-57 in the VPS13C gene. A presumed nomenclature of c.(?_-92)_(7477+1_7478-1)dup has been designated for the purposes of this classification. It has been assumed that this is a tandem duplication in direct orientation (Richardson_GIM_2018, Newman_AJHG_2015). Although exact breakpoints of this duplication are not known, it is expected to result in a large duplication in the VPS13C gene, involving the initiation codon. The variant was absent in 21694 control chromosomes in the gnomAD database (structural variants dataset). The available data on variant occurrences in the general population are insufficient to allow any conclusion about variant significance. To our knowledge, no occurrence of c.(?_-92)_(7477+1_7478-1)dup in individuals affected with Parkinson Disease 23, Autosomal Recessive Early-Onset and no experimental evidence demonstrating its impact on protein function have been reported. No clinical diagnostic laboratories have submitted clinical-significance assessments for this variant to ClinVar after 2014. Based on the evidence outlined above, the variant was classified as uncertain significance.